The following is an entry in ClinVar:

ClinVar aggregate classification (germline): Pathogenic/Likely pathogenic. Review status: criteria provided, multiple submitters, no conflicts (2 of 4 stars). 2 submissions from 2 submitters: Pathogenic (1); Likely pathogenic (1). Last evaluated 2023-12-10.

Conditions:
Peroxisome biogenesis disorder 5A (Zellweger) (PBD5A). Identifiers: Orphanet 912, MedGen C3553940, MONDO:0013932, OMIM 614866.

Submissions (2):

Baylor Genetics
Classification: Likely pathogenic for Peroxisome biogenesis disorder 5A (Zellweger). Last evaluated: 2023-12-10. Review status: criteria provided, single submitter. Criteria: ACMG Guidelines, 2015. Collection method: clinical testing. Allele origin: unknown.

Labcorp Genetics (formerly Invitae), Labcorp
Classification: Pathogenic for Peroxisome biogenesis disorder 5A (Zellweger). Last evaluated: 2023-07-03. Review status: criteria provided, single submitter. Criteria: Invitae Variant Classification Sherloc (09022015). Collection method: clinical testing. Allele origin: germline.
Comment: This variant disrupts a region of the PEX2 protein in which other variant(s) (p.Lys215Serfs*2) have been determined to be pathogenic (PMID: 10652207, 14630978, 17041890; Invitae). This suggests that this is a clinically significant region of the protein, and that variants that disrupt it are likely to be disease-causing. This variant has not been reported in the literature in individuals affected with PEX2-related conditions. This variant is not present in population databases (gnomAD no frequency). This sequence change creates a premature translational stop signal (p.Glu168*) in the PEX2 gene. While this is not anticipated to result in nonsense mediated decay, it is expected to disrupt the last 138 amino acid(s) of the PEX2 protein. For these reasons, this variant has been classified as Pathogenic.

Literature cited by the submitters: PubMed 10652207 (cited by Labcorp Genetics (formerly Invitae), Labcorp); PubMed 14630978 (cited by Labcorp Genetics (formerly Invitae), Labcorp); PubMed 17041890 (cited by Labcorp Genetics (formerly Invitae), Labcorp).

NM_000318.3(PEX2):c.502G>T (p.Glu168Ter)

Gene: PEX2 (peroxisomal biogenesis factor 2; minus strand). Cytogenetic location: 8q21.13.
Variant type: single nucleotide variant.
Coding change: c.502G>T on transcript NM_000318.3 (MANE Select); coding-DNA position 502, G replaced by T.
Protein change: p.Glu168Ter; replaces glutamic acid 168 with a stop codon.
Molecular consequence: nonsense.
Genome position (GRCh38, 1-based): chr8:76,983,677, C>A on the plus strand (G>T on the coding strand, the complement: PEX2 is on the minus strand). VCF-style: chr8-76983677-C-A. GRCh37 (hg19) VCF-style: chr8-77895913-C-A.
Other names: c.502G>T, p.Glu168Ter (NM_001079867.2, NM_001172086.2, NM_001172087.2); c.502G>T (NM_000318.2); short protein forms E168*.
Identifiers: ClinVar variation 2735116 (VCV002735116.4), dbSNP rs2487451701, ClinGen allele CA371557204.